The following is an entry in ClinVar:

ClinVar aggregate classification (germline): Uncertain significance. Review status: criteria provided, multiple submitters, no conflicts (2 of 4 stars). 2 submissions from 2 submitters: Uncertain significance (2). Last evaluated 2025-09-16.

Submissions (2):

Women's Health and Genetics/Laboratory Corporation of America, LabCorp
Classification: Uncertain significance. Last evaluated: 2025-09-16. Review status: criteria provided, single submitter. Criteria: LabCorp Variant Classification Summary - May 2015. Collection method: clinical testing. Allele origin: germline.
Comment: Variant summary: KMT2D c.2603C>G (p.Pro868Arg) results in a non-conservative amino acid change in the encoded protein sequence. Algorithms developed to predict the effect of missense changes on protein structure and function are either unavailable or do not agree on the potential impact of this missense change. The variant was absent in 176450 control chromosomes. The available data on variant occurrences in the general population are insufficient to allow any conclusion about variant significance. To our knowledge, no occurrence of c.2603C>G in individuals affected with KMT2D-related conditions and no experimental evidence demonstrating its impact on protein function have been reported. ClinVar contains an entry for this variant (Variation ID: 2507285). Based on the evidence outlined above, the variant was classified as uncertain significance.

GeneDx
Classification: Uncertain significance. Last evaluated: 2022-12-28. Review status: criteria provided, single submitter. Criteria: GeneDx Variant Classification Process June 2021. Collection method: clinical testing. Allele origin: germline. Affected: yes.
Comment: Not observed at significant frequency in large population cohorts (gnomAD); In silico analysis supports that this missense variant does not alter protein structure/function; Has not been previously published as pathogenic or benign to our knowledge

NM_003482.4(KMT2D):c.2603C>G (p.Pro868Arg)

Gene: KMT2D (lysine methyltransferase 2D; minus strand). Cytogenetic location: 12q13.12.
Variant type: single nucleotide variant.
Coding change: c.2603C>G on transcript NM_003482.4 (MANE Select); coding-DNA position 2603, C replaced by G.
Protein change: p.Pro868Arg; replaces proline 868 with arginine.
Molecular consequence: missense variant.
Genome position (GRCh38, 1-based): chr12:49,051,080, G>C on the plus strand (C>G on the coding strand, the complement: KMT2D is on the minus strand). VCF-style: chr12-49051080-G-C. GRCh37 (hg19) VCF-style: chr12-49444863-G-C.
Other names: short protein forms P868R.
Identifiers: ClinVar variation 2507285 (VCV002507285.2), dbSNP rs2120662838, ClinGen allele CA384665471.